The following continues an entry in ClinVar:

NM_007194.4(CHEK2):c.715G>A (p.Glu239Lys)

Gene: CHEK2. ClinVar aggregate classification (germline): Conflicting classifications of pathogenicity. Likely pathogenic (1); Uncertain significance (20).

Submissions 6 to 17 of 23:

Ambry Genetics
Classification: Uncertain significance for Hereditary cancer-predisposing syndrome. Last evaluated: 2025-06-20. Review status: criteria provided, single submitter. Criteria: Ambry Variant Classification Scheme 2023. Collection method: clinical testing. Allele origin: germline.
Comment: The p.E239K variant (also known as c.715G>A), located in coding exon 5 of the CHEK2 gene, results from a G to A substitution at nucleotide position 715. The glutamic acid at codon 239 is replaced by lysine, an amino acid with similar properties. This alteration has been reported in cohorts of prostate cancer patients, unselected non-Hodgkin lymphoma patients, and BRCA-negative HBOC patients (Wu X et al. Hum. Mutat. 2006 Aug;27:742-7; Dong X et al. Am. J. Hum. Genet. 2003 Feb;72:270-80; Havranek O et al. PLoS ONE 2015 Oct;10(10):e0140819; Kraus C et al. Int. J. Cancer 2017 Jan;140(1):95-102; Girard E et al. Int J Cancer, 2019 04;144:1962-1974). This variant was predicted to be deleterious in a cohort of individuals with known personal and family cancer histories (external communication). In two large case-control studies, p.E239K was detected in breast cancer patients but not in healthy controls; however, these studies did not have enough carriers to demonstrate statistically increased odds (Girard E et al. Int J Cancer. 2019 04;144:1962-1974; Le Calvez-Kelm F et al. Breast Cancer Res. 2011 Jan;13:R6). In contrast, another case-control study identified p.E239K in 2/3360 healthy controls but not in 1928 breast cancer cases (Klieblova P et al. Int. J. Cancer. 2019 Oct;145(7):1782-1797). In another large study, this variant was reported in 18/60,466 breast cancer cases and in 7/53,461 controls (Dorling et al. N Engl J Med 2021 02;384:428-439) and in the combined case-control data in the ENIGMA CHEK2gether Project, this variant was reported in 15/73048 cases and 10/88658 controls, with statistically insignificant OR of 1.63 (95% CI 0.68-4.06), p=0.24 (Stolarova L et al. Clin Cancer Res. 2023 Aug;29(16):3037-3050). Multiple functional studies have found that this alteration demonstrates partially reduced CHK2 kinase activity (Wu X et al. Hum. Mutat. 2006 Aug;27:742-7; Roeb W et al. Hum. Mol. Genet. 2012 Jun;21:2738-44; Klieblova P et al. Int. J. Cancer 2019 Oct;145(7):1782-1797; Boonen RACM et al. Cancer Res, 2022 02;82:615-631). However, in one study loss-of-function was reported as similar to pathogenic variants (Dutil J et al. Sci Rep. 2019 Nov;9(1):17769). In other studies, this variant was considered functional or tolerated (Delimitsou A et al. Hum. Mutat. 2019 05;40(5):631-648; Stolarova L et al. Clin Cancer Res. 2023 Aug;29(16):3037-3050; Gebbia M et al. Am J Hum Genet. 2024 Dec;111(12):2675-2692; McCarthy-Leo CE et al. PLoS Genet. 2024 Aug;20(8):e1011375). This amino acid position is highly conserved in available vertebrate species. In addition, this alteration is predicted to be deleterious by in silico analysis. Based on the available evidence, the clinical significance of this variant remains unclear.

Quest Diagnostics Nichols Institute San Juan Capistrano
Classification: Uncertain significance. Last evaluated: 2025-05-02. Review status: criteria provided, single submitter. Criteria: Quest Diagnostics criteria. Collection method: clinical testing. Allele origin: unknown.
Comment: The CHEK2 c.715G>A (p.Glu239Lys) variant has been reported in individuals affected with breast and/or ovarian cancer (PMIDs: 35264596 (2022), 33471991 (2021) see also LOVD, 32957588 (2020), 30303537 (2019), 27616075 (2017), 27595995 (2016), 26976419 (2016), 26787654 (2016), 25186627 (2015), 21244692 (2011)), prostate cancer (PMIDs: 16941491 (2006), 12533788 (2003)) and colorectal cancer (PMIDs: 33298767 (2021), 28135145 (2017)). This variant has also been identified in reportedly unaffected individuals (PMIDs: 33471991 (2021) see also LOVD, 27595995 (2016)). Functional studies reported inconclusive results regarding the variant's impact on protein function (PMIDs: 37449874 (2023), 34903604 (2022), 30851065 (2019), 31050813 (2019), 31780696 (2019), 22419737 (2012), 16835864 (2006)). The frequency of this variant in the general population (Genome Aggregation Database) is uninformative in the assessment of its pathogenicity. Analysis of this variant using bioinformatics tools for the prediction of the effect of amino acid changes on protein structure and function yielded conflicting predictions that this variant is deleterious or benign. Based on the available information, we are unable to determine the clinical significance of this variant.

GeneDx
Classification: Uncertain significance. Last evaluated: 2025-04-18. Review status: criteria provided, single submitter. Criteria: GeneDx Variant Classification Process June 2021. Collection method: clinical testing. Allele origin: germline. Affected: yes.
Comment: Published functional studies are conflicting: some demonstrate reduced or intermediate kinase activity, stability, and DNA damage response while others report activity similar to wild type (PMID: 16835864, 22419737, 28199314, 30851065, 31780696, 31050813, 34903604, 37449874); Observed in individuals with a history of breast, prostate, colorectal, thyroid, or other cancers (PMID: 12533788, 21244692, 26506619, 27616075, 26976419, 28135145, 31780696, 30303537, 32923877, 33471991, 33692755, 35264596, 36315513, 36468172, 31614935, 32191290, 35534704, 38061684); Case control studies suggest this variant is not associated with breast, ovarian, or prostate cancer (PMID: 27595995, 37449874); In silico analysis indicates that this missense variant does not alter protein structure/function; Not observed at significant frequency in large population cohorts (gnomAD); Also known as c.844G>A, p.E282K; This variant is associated with the following publications: (PMID: 12533788, 21244692, 25318351, 16835864, 22419737, 23298314, 25525159, 16941491, 26506619, 26976419, 26787654, 28135136, 28135137, 27616075, 28199314, 28135145, 31050813, 30851065, 31780696, 32957588, 34426522, 33309985, 33692755, 32923877, 35264596, 33471991, 36315513, 34903604, 30303537, 36468172, 32191290, 37449874, 27595995, 31614935, 35451682, 37732318, 38007399, 35534704, 38441358, 38476463, 19782031, 38061684, 37306523, 39174791)

Department of Pathology and Laboratory Medicine, Sinai Health System
Classification: Uncertain significance for CHEK2-related cancer predisposition. Last evaluated: 2024-12-09. Review status: criteria provided, single submitter. Criteria: ACMG Guidelines, 2015. Collection method: clinical testing. Allele origin: germline. Affected: yes.

Catlab - Consorci Sanitari de Terrassa
Classification: Uncertain significance for Hereditary cancer-predisposing syndrome. Last evaluated: 2024-11-12. Review status: criteria provided, single submitter. Criteria: ACMG Guidelines, 2015. Collection method: clinical testing. Allele origin: germline.
Comment: Based on the currently available information, this variant is classified as Variant of Uncertain Significance according to ACMG Richards 2015 guidelines. ACMG criteria: BP4.

Myriad Genetics, Inc.
Classification: Likely pathogenic for Familial cancer of breast. Last evaluated: 2024-10-10. Review status: criteria provided, single submitter. Criteria: Myriad Autosomal Dominant, Autosomal Recessive and X-Linked Classification Criteria (2023). Collection method: clinical testing. Allele origin: unknown.
Comment: This variant is considered likely pathogenic based on an internal history weighting algorithm that has been validated and shown to have greater than 99.5% positive and negative predictive values [PMID: 25085752]. The algorithm shows this variant is strongly associated with more severe personal and family histories of cancer, typical for individuals with pathogenic variants in CHEK2. Curve available upon request.

St. Jude Molecular Pathology, St. Jude Children's Research Hospital
Classification: Uncertain significance for Predisposition to cancer. Last evaluated: 2024-06-27. Review status: criteria provided, single submitter. Criteria: St. Jude Assertion Criteria 2020. Collection method: clinical testing. Allele origin: germline.

Baylor Genetics
Classification: Uncertain significance for Familial cancer of breast. Last evaluated: 2024-03-24. Review status: criteria provided, single submitter. Criteria: ACMG Guidelines, 2015. Collection method: clinical testing. Allele origin: unknown.

Color Diagnostics, LLC DBA Color Health
Classification: Uncertain significance for Hereditary cancer-predisposing syndrome. Last evaluated: 2024-02-13. Review status: criteria provided, single submitter. Criteria: ACMG Guidelines, 2015. Collection method: clinical testing. Allele origin: germline.
Comment: This missense variant replaces glutamic acid with lysine at codon 239 in the kinase domain of the CHEK2 protein. Computational prediction tool suggests that this variant may not impact protein structure and function. Functional studies have shown the mutant protein to exhibit partially reduced protein expression levels (PMID: 33606978), CHEK2 kinase activity (PMID: 16835864, 31050813, 31780696, 34903604, 37449874) and DNA damage response (PMID: 22419737), but normal function in yeast complementation assay (PMID: 30851065). This variant has been observed in individuals affected with breast cancer (PMID: 21244692, 26976419, 27616075, 31780696, 32957588), colorectal cancer (PMID: 28135145), non-Hodgkin lymphoma (PMID: 26506619), prostate cancer (PMID: 12533788), papillary thyroid cancer (PMID: 33692755), and pheochromocytoma (PMID: 34630562). In large breast cancer case-control studies, this variant has not shown a conclusive association with increased risk of breast cancer (OR = 1.70, 95% CI 0.73 to 3.93, p=0.210 in PMID: 27595995; OR = 2.274, 95% CI 0.95 to 5.445, p=0.071 in PMID: 33471991). In addition, this variant has not shown significant association with ovarian cancer or prostate cancer in a large case-control study (PMID: 27595995). This variant has been identified in 24/282754 chromosomes in the general population by the Genome Aggregation Database (gnomAD). The available evidence is insufficient to determine the role of this variant in disease conclusively. Therefore, this variant is classified as a Variant of Uncertain Significance.

Blueprint Genetics
Classification: Uncertain significance. Last evaluated: 2024-01-02. Review status: criteria provided, single submitter. Criteria: ACMG Guidelines, 2015. Collection method: clinical testing. Allele origin: germline.

CeGaT Center for Human Genetics Tuebingen
Classification: Uncertain significance. Last evaluated: 2023-04-01. Review status: criteria provided, single submitter. Criteria: CeGaT Center For Human Genetics Tuebingen Variant Classification Criteria Version 2. Collection method: clinical testing. Allele origin: germline. Affected: yes. Observed: 1 variant allele.
Comment: CHEK2: PS3:Supporting

Fulgent Genetics
Classification: Uncertain significance for Familial cancer of breast; Colorectal cancer; Familial prostate cancer; Bone osteosarcoma; CHEK2-related cancer predisposition. Last evaluated: 2021-11-10. Review status: criteria provided, single submitter. Criteria: ACMG Guidelines, 2015. Collection method: clinical testing. Allele origin: unknown.